The following is an entry in ClinVar:

ClinVar aggregate classification (germline): Likely benign (1 of 4 stars; one submission).

Allele frequency attached by ClinVar (database versions not stated): ExAC 0.00003; gnomAD exomes 0.00003; ESP Exome Variant Server 0.00008; gnomAD 0.00012 and 0.00014; TOPMed 0.00015; 1000 Genomes Project 30x 0.00016; 1000 Genomes Project 0.00020.
gnomAD v4.1: 41 of 1,568,390 alleles (0.0026%); highest among the groups gnomAD compares: African/African-American, 0.042%; no homozygotes.

Submission:

GeneDx
Classification: Likely benign. Last evaluated: 2017-10-24. Review status: criteria provided, single submitter. Criteria: GeneDx Variant Classification (06012015). Collection method: clinical testing. Allele origin: germline. Affected: yes.
Comment: This variant is considered likely benign or benign based on one or more of the following criteria: it is a conservative change, it occurs at a poorly conserved position in the protein, it is predicted to be benign by multiple in silico algorithms, and/or has population frequency not consistent with disease.

NM_004588.5(SCN2B):c.-34G>A

Gene: SCN2B (sodium voltage-gated channel beta subunit 2; minus strand). Cytogenetic location: 11q23.3.
Variant type: single nucleotide variant.
Coding change: c.-34G>A on transcript NM_004588.5 (MANE Select); 34 bases upstream of the start codon, G replaced by A.
Molecular consequence: 5 prime UTR variant.
Genome position (GRCh38, 1-based): chr11:118,176,465, C>T on the plus strand (G>A on the coding strand, the complement: SCN2B is on the minus strand). VCF-style: chr11-118176465-C-T. GRCh37 (hg19) VCF-style: chr11-118047180-C-T.
Identifiers: ClinVar variation 508180 (VCV000508180.1), dbSNP rs370726229, ClinGen allele CA6300583.
Genomic context (GRCh38, chr11:118,176,465, plus strand): 5'-GCGAGGTAGCCAGGCATCTCTGTGCATTTTCAGAGACTGAGATGTTAGTCGGGTGGGCTA[C>T]GGGAGAGGGTGATTTGAGGGGGCGAGAACTACAAGGGAGGAATGGTTGGATGCTAAAAAA-3'